The following is an entry in ClinVar:

NM_001080517.3(SETD5):c.3221G>C (p.Arg1074Pro)

Gene: SETD5 (SET domain containing 5; plus strand). Cytogenetic location: 3p25.3.
Variant type: single nucleotide variant.
Coding change: c.3221G>C on transcript NM_001080517.3 (MANE Select); coding-DNA position 3221, G replaced by C.
Protein change: p.Arg1074Pro; replaces arginine 1074 with proline.
Molecular consequence: missense variant.
Genome position (GRCh38, 1-based): chr3:9,473,261, G>C. VCF-style: chr3-9473261-G-C. GRCh37 (hg19) VCF-style: chr3-9514945-G-C.
Other names: c.2927G>C, p.Arg976Pro (NM_001292043.2, NM_001349451.2); short protein forms R1074P, R976P.
Identifiers: ClinVar variation 1334704 (VCV001334704.4), dbSNP rs2125606151, ClinGen allele CA351684794.

ClinVar aggregate classification (germline): Uncertain significance (1 of 4 stars; one submission).

Submission:

Greenwood Genetic Center Diagnostic Laboratories, Greenwood Genetic Center
Classification: Uncertain significance. Last evaluated: 2021-04-20. Review status: criteria provided, single submitter. Criteria: ACMG Guidelines, 2015. Collection method: clinical testing. Allele origin: germline. Affected: yes.
Comment: PP3, PM2